The following is an entry in ClinVar:

NM_001378457.1(DMXL2):c.7565A>G (p.Asn2522Ser)

Gene: DMXL2 (Dmx like 2; minus strand). Cytogenetic location: 15q21.2.
Variant type: single nucleotide variant.
Coding change: c.7565A>G on transcript NM_001378457.1 (MANE Select); coding-DNA position 7565, A replaced by G.
Protein change: p.Asn2522Ser; replaces asparagine 2522 with serine.
Molecular consequence: missense variant. On other transcripts: non-coding transcript variant (2), intron variant (1).
Genome position (GRCh38, 1-based): chr15:51,465,607, T>C on the plus strand (A>G on the coding strand, the complement: DMXL2 is on the minus strand). VCF-style: chr15-51465607-T-C. GRCh37 (hg19) VCF-style: chr15-51757804-T-C.
Other names: c.7565A>G, p.Asn2522Ser (NM_001174116.3, NM_001378461.1, NM_001378463.1); c.5654A>G, p.Asn1885Ser (NM_001174117.3); c.7562A>G, p.Asn2521Ser (NM_001378458.1, NM_001378462.1, NM_015263.5); c.5543A>G, p.Asn1848Ser (NM_001378460.1); c.7322A>G, p.Asn2441Ser (NM_001378464.1); c.7520+577A>G (NM_001378459.1); c.7565A>G (NM_001174116.1); short protein forms N2522S, N2441S, N1848S, N1885S, N2521S.
Identifiers: ClinVar variation 1395922 (VCV001395922.4), dbSNP rs774081788, ClinGen allele CA7561279.

ClinVar aggregate classification (germline): Uncertain significance. Review status: criteria provided, multiple submitters, no conflicts (2 of 4 stars). 2 submissions from 2 submitters: Uncertain significance (2). Last evaluated 2025-06-03.

Conditions:
Inborn genetic diseases. Identifiers: MedGen C0950123, MeSH D030342.

Allele frequency attached by ClinVar (database versions not stated): ExAC 0.00005; TOPMed 0.00002; gnomAD 0.00002; gnomAD exomes 0.00005.
gnomAD v4.1: 76 of 1,607,838 alleles (0.0047%); highest among the groups gnomAD compares: Non-Finnish European, 0.0062%; no homozygotes.

Submissions (2):

Ambry Genetics
Classification: Uncertain significance for Inborn genetic diseases. Last evaluated: 2025-06-03. Review status: criteria provided, single submitter. Criteria: Ambry Variant Classification Scheme 2023. Collection method: clinical testing. Allele origin: germline.

Labcorp Genetics (formerly Invitae), Labcorp
Classification: Uncertain significance. Last evaluated: 2021-12-13. Review status: criteria provided, single submitter. Criteria: Invitae Variant Classification Sherloc (09022015). Collection method: clinical testing. Allele origin: germline.
Comment: This sequence change replaces asparagine, which is neutral and polar, with serine, which is neutral and polar, at codon 2522 of the DMXL2 protein (p.Asn2522Ser). This variant is present in population databases (rs774081788, gnomAD 0.01%). This variant has not been reported in the literature in individuals affected with DMXL2-related conditions. Algorithms developed to predict the effect of missense changes on protein structure and function are either unavailable or do not agree on the potential impact of this missense change (SIFT: "Tolerated"; PolyPhen-2: "Probably Damaging"; Align-GVGD: "Class C0"). In summary, the available evidence is currently insufficient to determine the role of this variant in disease. Therefore, it has been classified as a Variant of Uncertain Significance.